The following is an entry in ClinVar:

NM_030962.4(SBF2):c.2789C>T (p.Thr930Ile)

Genes: SBF2 (SET binding factor 2; minus strand), LOC101928008 (uncharacterized LOC101928008; plus strand). Cytogenetic location: 11p15.4.
Variant type: single nucleotide variant.
Coding change: c.2789C>T on transcript NM_030962.4 (MANE Select); coding-DNA position 2789, C replaced by T.
Protein change: p.Thr930Ile; replaces threonine 930 with isoleucine.
Molecular consequence: missense variant.
Genome position (GRCh38, 1-based): chr11:9,850,040, G>A on the plus strand (C>T on the coding strand, the complement: SBF2 is on the minus strand). VCF-style: chr11-9850040-G-A. GRCh37 (hg19) VCF-style: chr11-9871587-G-A.
Other names: c.2789C>T, p.Thr930Ile (NM_001386339.1); c.2660C>T, p.Thr887Ile (NM_001386342.1); short protein forms T930I, T887I.
Identifiers: ClinVar variation 580593 (VCV000580593.9), dbSNP rs755578344, ClinGen allele CA5881461.

ClinVar aggregate classification (germline): Uncertain significance. Review status: criteria provided, multiple submitters, no conflicts (2 of 4 stars). 2 submissions from 2 submitters: Uncertain significance (2). Last evaluated 2024-05-24.

Conditions:
Inborn genetic diseases. Identifiers: MedGen C0950123, MeSH D030342.
Charcot-Marie-Tooth disease type 4. Also called: Charcot-Marie-Tooth, Type 4; Charcot-Marie-Tooth disease, type IV. Identifiers: Orphanet 64749, MedGen C4082197, MONDO:0018995.

Allele frequency attached by ClinVar (database versions not stated): ExAC 0.00001; TOPMed 0.00005; gnomAD exomes 0.00001; gnomAD 0.00003.
gnomAD v4.1: 52 of 1,613,904 alleles (0.0032%); highest among the groups gnomAD compares: Non-Finnish European, 0.0043%; no homozygotes.

Submissions (2):

Ambry Genetics
Classification: Uncertain significance for Inborn genetic diseases. Last evaluated: 2024-05-24. Review status: criteria provided, single submitter. Criteria: Ambry Variant Classification Scheme 2023. Collection method: clinical testing. Allele origin: germline.

Labcorp Genetics (formerly Invitae), Labcorp
Classification: Uncertain significance for Charcot-Marie-Tooth disease type 4. Last evaluated: 2022-03-02. Review status: criteria provided, single submitter. Criteria: Invitae Variant Classification Sherloc (09022015). Collection method: clinical testing. Allele origin: germline.
Comment: This sequence change replaces threonine, which is neutral and polar, with isoleucine, which is neutral and non-polar, at codon 930 of the SBF2 protein (p.Thr930Ile). This variant is present in population databases (rs755578344, gnomAD 0.002%). This variant has not been reported in the literature in individuals affected with SBF2-related conditions. ClinVar contains an entry for this variant (Variation ID: 580593). Algorithms developed to predict the effect of missense changes on protein structure and function are either unavailable or do not agree on the potential impact of this missense change (SIFT: "Deleterious"; PolyPhen-2: "Benign"; Align-GVGD: "Class C0"). In summary, the available evidence is currently insufficient to determine the role of this variant in disease. Therefore, it has been classified as a Variant of Uncertain Significance.